The following is an entry in ClinVar:

NM_000051.4(ATM):c.1379C>A (p.Thr460Lys)

Gene: ATM (ATM serine/threonine kinase; plus strand). Cytogenetic location: 11q22.3.
Variant type: single nucleotide variant.
Coding change: c.1379C>A on transcript NM_000051.4 (MANE Select); coding-DNA position 1379, C replaced by A.
Protein change: p.Thr460Lys; replaces threonine 460 with lysine.
Molecular consequence: missense variant.
Genome position (GRCh38, 1-based): chr11:108,250,844, C>A. VCF-style: chr11-108250844-C-A. GRCh37 (hg19) VCF-style: chr11-108121571-C-A.
Other names: c.1379C>A, p.Thr460Lys (NM_001351834.2); short protein forms T460K.
Identifiers: ClinVar variation 1771231 (VCV001771231.8), dbSNP rs587781841, ClinGen allele CA382533854.
Genomic context (GRCh38, chr11:108,250,844, plus strand): 5'-CTCAGCTTCTACCCCAACAGCGACATGGGGAACGTACACCATATGTGTTACGATGCCTTA[C>A]GGAAGTTGCATTGTGTCAAGACAAGAGGTCAAACCTAGAAAGCTCACAAAAGTCAGATTT-3'
Protein context (NP_000042.3, residues 450-470): ERTPYVLRCL[Thr460Lys]EVALCQDKRS

ClinVar aggregate classification (germline): Conflicting classifications of pathogenicity. Review status: criteria provided, conflicting classifications (1 of 4 stars). 2 submissions from 2 submitters: Uncertain significance (1); Likely benign (1). Last evaluated 2025-03-27.

Conditions:
Hereditary cancer-predisposing syndrome. Also called: Tumor predisposition; Neoplastic Syndromes, Hereditary; Hereditary Cancer Syndrome; Hereditary neoplastic syndrome. Identifiers: Orphanet 140162, MedGen C0027672, MeSH D009386, MONDO:0015356.
Ataxia-telangiectasia syndrome (AT). Also called: LOUIS-BAR SYNDROME; Cerebello-oculocutaneous telangiectasia; Immunodeficiency with ataxia telangiectasia; Ataxia-telangiectasia, complementation group D; AT, COMPLEMENTATION GROUP C; ATAXIA-TELANGIECTASIA, COMPLEMENTATION GROUP A. Identifiers: Orphanet 100, MedGen C0004135, MONDO:0008840, OMIM 208900.

Submissions (2):

Ambry Genetics
Classification: Likely benign for Hereditary cancer-predisposing syndrome. Last evaluated: 2025-03-27. Review status: criteria provided, single submitter. Criteria: Ambry Variant Classification Scheme 2023. Collection method: clinical testing. Allele origin: germline.

Labcorp Genetics (formerly Invitae), Labcorp
Classification: Uncertain significance for Ataxia-telangiectasia syndrome. Last evaluated: 2024-09-27. Review status: criteria provided, single submitter. Criteria: Invitae Variant Classification Sherloc (09022015). Collection method: clinical testing. Allele origin: germline.
Comment: This sequence change replaces threonine, which is neutral and polar, with lysine, which is basic and polar, at codon 460 of the ATM protein (p.Thr460Lys). This variant is not present in population databases (gnomAD no frequency). This variant has not been reported in the literature in individuals affected with ATM-related conditions. ClinVar contains an entry for this variant (Variation ID: 1771231). An algorithm developed to predict the effect of missense changes on protein structure and function (PolyPhen-2) suggests that this variant is likely to be tolerated. In summary, the available evidence is currently insufficient to determine the role of this variant in disease. Therefore, it has been classified as a Variant of Uncertain Significance.